The following is an entry in ClinVar:

NM_181712.5(KANK4):c.2119G>A (p.Val707Ile)

Gene: KANK4 (KN motif and ankyrin repeat domains 4; minus strand). Cytogenetic location: 1p31.3.
Variant type: single nucleotide variant.
Coding change: c.2119G>A on transcript NM_181712.5 (MANE Select); coding-DNA position 2119, G replaced by A.
Protein change: p.Val707Ile; replaces valine 707 with isoleucine.
Molecular consequence: missense variant.
Genome position (GRCh38, 1-based): chr1:62,268,399, C>T on the plus strand (G>A on the coding strand, the complement: KANK4 is on the minus strand). VCF-style: chr1-62268399-C-T. GRCh37 (hg19) VCF-style: chr1-62734071-C-T.
Other names: c.235G>A, p.Val79Ile (NM_001320269.2); short protein forms V707I, V79I.
Identifiers: ClinVar variation 1988572 (VCV001988572.4), dbSNP rs750107726, ClinGen allele CA884210.

ClinVar aggregate classification (germline): Uncertain significance (1 of 4 stars; one submission).

Allele frequency attached by ClinVar (database versions not stated): gnomAD 0.00001; TOPMed 0.00003; ExAC 0.00008.
gnomAD v4.1: 28 of 1,613,954 alleles (0.0017%); highest among the groups gnomAD compares: Admixed American, 0.047%; no homozygotes.

Submission:

Labcorp Genetics (formerly Invitae), Labcorp
Classification: Uncertain significance. Last evaluated: 2022-11-10. Review status: criteria provided, single submitter. Criteria: Invitae Variant Classification Sherloc (09022015). Collection method: clinical testing. Allele origin: germline.
Comment: This sequence change replaces valine, which is neutral and non-polar, with isoleucine, which is neutral and non-polar, at codon 707 of the KANK4 protein (p.Val707Ile). This variant is present in population databases (rs750107726, gnomAD 0.06%), and has an allele count higher than expected for a pathogenic variant. This variant has not been reported in the literature in individuals affected with KANK4-related conditions. Algorithms developed to predict the effect of missense changes on protein structure and function (SIFT, PolyPhen-2, Align-GVGD) all suggest that this variant is likely to be tolerated. In summary, the available evidence is currently insufficient to determine the role of this variant in disease. Therefore, it has been classified as a Variant of Uncertain Significance.